The following is an entry in ClinVar:

ClinVar aggregate classification (germline): Pathogenic. Review status: criteria provided, multiple submitters, no conflicts (2 of 4 stars). 3 submissions from 3 submitters: Pathogenic (3). Last evaluated 2025-02-13.

Conditions:
Familial multiple polyposis syndrome (FAP). Also called: Familial polyposis; Classic familial adenomatous polyposis; Familial Adenomatous Polyposis (FAP); Familial adenomatous polyposis; Familial intestinal polyposis. Identifiers: Orphanet 733, MedGen C0032580, MONDO:0021055. Disease mechanism: loss of function.
Familial adenomatous polyposis 1 (FAP1). Also called: POLYPOSIS, ADENOMATOUS INTESTINAL; FAMILIAL ADENOMATOUS POLYPOSIS 1, ATTENUATED. Identifiers: MedGen C2713442, MONDO:0021056, OMIM 175100. Disease mechanism: loss of function.

Submissions (3):

Women's Health and Genetics/Laboratory Corporation of America, LabCorp
Classification: Pathogenic for Familial multiple polyposis syndrome. Last evaluated: 2025-02-13. Review status: criteria provided, single submitter. Criteria: LabCorp Variant Classification Summary - May 2015. Collection method: clinical testing. Allele origin: germline.
Comment: Variant summary: APC c.2053_2054delTG (p.Trp685GlufsX8) results in a premature termination codon, predicted to cause a truncation of the encoded protein or absence of the protein due to nonsense mediated decay, which are commonly known mechanisms for disease. The variant was absent in 250822 control chromosomes. To our knowledge, no occurrence of c.2053_2054delTG in individuals affected with Familial Adenomatous Polyposis and no experimental evidence demonstrating its impact on protein function have been reported. However, a downstream non-NMD frameshift has been classified as Pathogenic at Labcorp (c.6578_6579delAA, p.Lys2193SerfsX3), strongly suggesting that loss of this region is deleterious. ClinVar contains an entry for this variant (Variation ID: 1457212). Based on the evidence outlined above, the variant was classified as pathogenic.

Myriad Genetics, Inc.
Classification: Pathogenic for Familial adenomatous polyposis 1. Last evaluated: 2023-05-03. Review status: criteria provided, single submitter. Criteria: Myriad Autosomal Dominant, Autosomal Recessive and X-Linked Classification Criteria (2023). Collection method: clinical testing. Allele origin: unknown.
Comment: This variant is considered pathogenic. This variant creates a frameshift predicted to result in premature protein truncation.

Labcorp Genetics (formerly Invitae), Labcorp
Classification: Pathogenic for Familial adenomatous polyposis 1. Last evaluated: 2021-10-31. Review status: criteria provided, single submitter. Criteria: Invitae Variant Classification Sherloc (09022015). Collection method: clinical testing. Allele origin: germline.
Comment: A different truncation (p.Tyr2645Lysfs*14) that lies downstream of this variant has been determined to be pathogenic (PMID: 9824584, 1316610, 27081525, 8381579, 22135120, Invitae). This suggests that deletion of this region of the APC protein is causative of disease. This variant is expected to disrupt the EB1 and HDLG binding sites, which mediate interactions with the cytoskeleton (PMID: 15311282, 17293347). While functional studies have not been performed to directly test the effect on APC protein function, this suggests that disruption of the C-terminal portion of the protein is functionally important. This variant has not been reported in the literature in individuals affected with APC-related conditions. This variant is not present in population databases (gnomAD no frequency). This sequence change creates a premature translational stop signal (p.Trp685Glufs*8) in the APC gene. While this is not anticipated to result in nonsense mediated decay, it is expected to disrupt the last 2159 amino acid(s) of the APC protein. For these reasons, this variant has been classified as Pathogenic.

Literature cited by the submitters: PubMed 9824584 (cited by Labcorp Genetics (formerly Invitae), Labcorp); PubMed 1316610 (cited by Labcorp Genetics (formerly Invitae), Labcorp); PubMed 27081525 (cited by Labcorp Genetics (formerly Invitae), Labcorp); PubMed 8381579 (cited by Labcorp Genetics (formerly Invitae), Labcorp); PubMed 22135120 (cited by Labcorp Genetics (formerly Invitae), Labcorp); PubMed 15311282 (cited by Labcorp Genetics (formerly Invitae), Labcorp); PubMed 17293347 (cited by Labcorp Genetics (formerly Invitae), Labcorp).

NM_000038.6(APC):c.2053_2054del (p.Trp685fs)

Gene: APC (APC regulator of Wnt signaling pathway; plus strand). Cytogenetic location: 5q22.2.
Variant type: Microsatellite.
Coding change: c.2053_2054del on transcript NM_000038.6 (MANE Select); coding-DNA positions 2053 to 2054, 2 bases deleted (TG; older notation c.2053_2054delTG).
Protein change: p.Trp685fs; shifts the reading frame from tryptophan 685.
Molecular consequence: frameshift variant.
Genome position (GRCh38, 1-based): chr5:112,837,647-112,837,648, TG deleted; deleting any 2 consecutive bases within chr5:112,837,645-112,837,648 gives the same sequence; the c. name uses the placement nearest the transcript's 3' end. VCF-style (leftmost placement, unchanged base first): chr5-112837644-TTG-T. GRCh37 (hg19) VCF-style: chr5-112173341-TTG-T.
Other names: c.2053_2054delTG (NM_000038.6); c.2053_2054del, p.Trp685fs (NM_001127510.3, NM_001354895.2); c.1999_2000del, p.Trp667fs (NM_001127511.3); c.2107_2108del, p.Trp703fs (NM_001354896.2); c.2083_2084del, p.Trp695fs (NM_001354897.2); c.1978_1979del, p.Trp660fs (NM_001354898.2); c.1969_1970del, p.Trp657fs (NM_001354899.2); c.1930_1931del, p.Trp644fs (NM_001354900.2); and 6 more; short protein forms W594fs, W660fs, W584fs, W667fs, W402fs, W559fs, W644fs, W657fs.
Identifiers: ClinVar variation 1457212 (VCV001457212.9), dbSNP rs2149859523, ClinGen allele CA2580613629.